The following is an entry in ClinVar:

NM_030665.4(RAI1):c.1436A>T (p.Gln479Leu)

Gene: RAI1 (retinoic acid induced 1; plus strand). Cytogenetic location: 17p11.2.
Variant type: single nucleotide variant.
Coding change: c.1436A>T on transcript NM_030665.4 (MANE Select); coding-DNA position 1436, A replaced by T.
Protein change: p.Gln479Leu; replaces glutamine 479 with leucine.
Molecular consequence: missense variant.
Genome position (GRCh38, 1-based): chr17:17,794,384, A>T. VCF-style: chr17-17794384-A-T. GRCh37 (hg19) VCF-style: chr17-17697698-A-T.
Other names: short protein forms Q479L.
Identifiers: ClinVar variation 4991325 (VCV004991325.1).

ClinVar aggregate classification (germline): Uncertain significance (1 of 4 stars; one submission).

Conditions:
RAI1-related disorder. Also called: RAI1-related condition.

Submission:

PreventionGenetics, part of Exact Sciences
Classification: Uncertain significance for RAI1-related condition. Last evaluated: 2026-08-27. Review status: criteria provided, single submitter. Criteria: ACMG Guidelines, 2015. Collection method: clinical testing. Allele origin: germline.
Comment: The RAI1 c.1436A>T variant is predicted to result in the amino acid substitution p.Gln479Leu. To our knowledge, this variant has not been reported in the literature or in a large population database (gnomAD), indicating this variant is rare. At this time, the clinical significance of this variant is uncertain due to the absence of conclusive functional and genetic evidence.